The following is an entry in ClinVar:

ClinVar aggregate classification (germline): Likely benign. Review status: criteria provided, single submitter (1 of 4 stars). 2 submissions from 2 submitters: Likely benign (1). 1 of the submissions does not count toward it. Last evaluated 2022-02-09.

Conditions:
Epileptic encephalopathy. Identifiers: MedGen C0543888, HP:0200134.
FASN-related disorder. Also called: FASN-related condition.

Allele frequency attached by ClinVar (database versions not stated): gnomAD exomes 0.00001 and 0.00002; TOPMed 0.00002; ExAC 0.00003; gnomAD 0.00003.

Submissions (2):

Labcorp Genetics (formerly Invitae), Labcorp
Classification: Likely benign for Epileptic encephalopathy. Last evaluated: 2022-02-09. Review status: criteria provided, single submitter. Criteria: Invitae Variant Classification Sherloc (09022015). Collection method: clinical testing. Allele origin: germline.

PreventionGenetics, part of Exact Sciences
Classification: Likely benign for FASN-related condition. Last evaluated: 2019-02-22. Review status: no assertion criteria provided. Collection method: clinical testing. Allele origin: germline. Not counted in ClinVar's aggregate classification.
Comment: This variant is classified as likely benign based on ACMG/AMP sequence variant interpretation guidelines (Richards et al. 2015 PMID: 25741868, with internal and published modifications).

NM_004104.5(FASN):c.2427C>T (p.Asp809=)

Gene: FASN (fatty acid synthase; minus strand). Cytogenetic location: 17q25.3.
Variant type: single nucleotide variant.
Coding change: c.2427C>T on transcript NM_004104.5 (MANE Select); coding-DNA position 2427, C replaced by T.
Protein change: p.Asp809=; no amino-acid change (aspartic acid 809 retained).
Molecular consequence: synonymous variant.
Genome position (GRCh38, 1-based): chr17:82,088,556, G>A on the plus strand (C>T on the coding strand, the complement: FASN is on the minus strand). VCF-style: chr17-82088556-G-A. GRCh37 (hg19) VCF-style: chr17-80046432-G-A.
Identifiers: ClinVar variation 759306 (VCV000759306.12), dbSNP rs761006285, ClinGen allele CA8852776.